The following is an entry in ClinVar:

NM_006767.4(LZTR1):c.799C>T (p.Arg267Cys)

Gene: LZTR1 (leucine zipper like post translational regulator 1; plus strand). Cytogenetic location: 22q11.21.
Variant type: single nucleotide variant.
Coding change: c.799C>T on transcript NM_006767.4 (MANE Select); coding-DNA position 799, C replaced by T.
Protein change: p.Arg267Cys; replaces arginine 267 with cysteine.
Molecular consequence: missense variant.
Genome position (GRCh38, 1-based): chr22:20,991,635, C>T. VCF-style: chr22-20991635-C-T. GRCh37 (hg19) VCF-style: chr22-21345924-C-T.
Other names: short protein forms R267C.
Identifiers: ClinVar variation 1761542 (VCV001761542.6), dbSNP rs979730916, ClinGen allele CA322327216.
Genomic context (GRCh38, chr22:20,991,635, plus strand): 5'-AGGGTGAGCAGGAGCCCCTGTCCCAGCATTGATTCACTGTTGTGTACCCCCAGGTGGACA[C>T]GCATCCCAACTGAACACCTGCTCCGGGGCTCCCCACCACCCCCGCAGCGGCGCTACGGGC-3'
Protein context (NP_006758.2, residues 257-277): QFEFKDKTWT[Arg267Cys]IPTEHLLRGS

ClinVar aggregate classification (germline): Uncertain significance. Review status: criteria provided, multiple submitters, no conflicts (2 of 4 stars). 2 submissions from 2 submitters: Uncertain significance (2). Last evaluated 2025-02-13.

Conditions:
Hereditary cancer-predisposing syndrome. Also called: Neoplastic Syndromes, Hereditary; Tumor predisposition; Hereditary Cancer Syndrome; Hereditary neoplastic syndrome. Identifiers: Orphanet 140162, MedGen C0027672, MeSH D009386, MONDO:0015356.
Cardiovascular phenotype. Identifiers: MedGen CN230736.

Allele frequency attached by ClinVar (database versions not stated): TOPMed below 0.00001; gnomAD exomes 0.00001.
gnomAD v4.1: 9 of 1,590,374 alleles (0.00057%); highest among the groups gnomAD compares: South Asian, 0.0022%; no homozygotes.

Submissions (2):

Ambry Genetics
Classification: Uncertain significance for Cardiovascular phenotype; Hereditary cancer-predisposing syndrome. Last evaluated: 2025-02-13. Review status: criteria provided, single submitter. Criteria: Ambry Variant Classification Scheme 2023. Collection method: clinical testing. Allele origin: germline.
Comment: The p.R267C variant (also known as c.799C>T), located in coding exon 9 of the LZTR1 gene, results from a C to T substitution at nucleotide position 799. The arginine at codon 267 is replaced by cysteine, an amino acid with highly dissimilar properties. This amino acid position is highly conserved in available vertebrate species. In addition, this alteration is predicted to be deleterious by in silico analysis. Based on the available evidence, the clinical significance of this variant remains unclear.

Labcorp Genetics (formerly Invitae), Labcorp
Classification: Uncertain significance. Last evaluated: 2024-05-12. Review status: criteria provided, single submitter. Criteria: Invitae Variant Classification Sherloc (09022015). Collection method: clinical testing. Allele origin: germline.
Comment: This sequence change replaces arginine, which is basic and polar, with cysteine, which is neutral and slightly polar, at codon 267 of the LZTR1 protein (p.Arg267Cys). This variant is not present in population databases (gnomAD no frequency). This variant has not been reported in the literature in individuals affected with LZTR1-related conditions. ClinVar contains an entry for this variant (Variation ID: 1761542). Advanced modeling of protein sequence and biophysical properties (such as structural, functional, and spatial information, amino acid conservation, physicochemical variation, residue mobility, and thermodynamic stability) performed at Invitae indicates that this missense variant is not expected to disrupt LZTR1 protein function with a negative predictive value of 80%. In summary, the available evidence is currently insufficient to determine the role of this variant in disease. Therefore, it has been classified as a Variant of Uncertain Significance.